The following is an entry in ClinVar:

ClinVar aggregate classification (germline): Benign. Review status: criteria provided, multiple submitters, no conflicts (2 of 4 stars). 5 submissions from 5 submitters: Benign (4). 1 of the submissions does not count toward it. Last evaluated 2026-02-01.

Conditions:
MRPS34-related disorder. Also called: MRPS34-related condition.
Combined oxidative phosphorylation deficiency 32 (COXPD32). Identifiers: MedGen C4540029, MONDO:0054654, OMIM 617664.

Allele frequency attached by ClinVar (database versions not stated): gnomAD 0.10486; ExAC 0.36639; ESP Exome Variant Server 0.06805; TOPMed 0.09855; 1000 Genomes Project 0.14597; gnomAD exomes 0.14754; 1000 Genomes Project 30x 0.13835.
gnomAD v4.1: 180,879 of 1,445,648 alleles (13%); highest among the groups gnomAD compares: East Asian, 27%; 12,496 homozygotes.

Submissions (5):

Labcorp Genetics (formerly Invitae), Labcorp
Classification: Benign. Last evaluated: 2026-02-01. Review status: criteria provided, single submitter. Criteria: Invitae Variant Classification Sherloc (09022015). Collection method: clinical testing. Allele origin: germline.

Genome-Nilou Lab
Classification: Benign for Combined oxidative phosphorylation deficiency 32. Last evaluated: 2021-07-14. Review status: criteria provided, single submitter. Criteria: ACMG Guidelines, 2015. Collection method: clinical testing. Allele origin: germline. Affected: no.

GeneDx
Classification: Benign. Last evaluated: 2018-06-19. Review status: criteria provided, single submitter. Criteria: GeneDx Variant Classification (06012015). Collection method: clinical testing. Allele origin: germline. Affected: yes.
Comment: This variant is considered likely benign or benign based on one or more of the following criteria: it is a conservative change, it occurs at a poorly conserved position in the protein, it is predicted to be benign by multiple in silico algorithms, and/or has population frequency not consistent with disease.

Breakthrough Genomics
Classification: Benign. Review status: criteria provided, single submitter. Criteria: ACMG Guidelines, 2015. Collection method: not provided. Allele origin: germline. Inheritance: Autosomal recessive inheritance. Affected: yes.

PreventionGenetics, part of Exact Sciences
Classification: Benign for MRPS34-related condition. Last evaluated: 2019-11-07. Review status: no assertion criteria provided. Collection method: clinical testing. Allele origin: germline. Not counted in ClinVar's aggregate classification.
Comment: This variant is classified as benign based on ACMG/AMP sequence variant interpretation guidelines (Richards et al. 2015 PMID: 25741868, with internal and published modifications).

NM_023936.2(MRPS34):c.97C>A (p.Leu33Ile)

Genes: EME2 (essential meiotic structure-specific endonuclease subunit 2; plus strand), MRPS34 (mitochondrial ribosomal protein S34; minus strand). Cytogenetic location: 16p13.3.
Variant type: single nucleotide variant.
Coding change: c.97C>A on transcript NM_023936.2 (MANE Select); coding-DNA position 97, C replaced by A.
Protein change: p.Leu33Ile; replaces leucine 33 with isoleucine.
Molecular consequence: missense variant.
Genome position (GRCh38, 1-based): chr16:1,773,023, G>T on the plus strand (C>A on the coding strand, the complement: MRPS34 is on the minus strand). VCF-style: chr16-1773023-G-T. GRCh37 (hg19) VCF-style: chr16-1823024-G-T.
Other names: c.97C>A, p.Leu33Ile (NM_001300900.2); c.97C>A (NM_001300900.1); short protein forms L33I.
Identifiers: ClinVar variation 674177 (VCV000674177.15), dbSNP rs11552431, ClinGen allele CA7818434.